The following is an entry in ClinVar:

ClinVar aggregate classification (germline): Likely pathogenic. Review status: reviewed by expert panel (3 of 4 stars). 4 submissions from 4 submitters: Likely pathogenic (1). 3 of the submissions do not count toward it. Last evaluated 2020-06-26.

Conditions:
Phenylketonuria (PKU). Also called: OLIGOPHRENIA PHENYLPYRUVICA; Phenylketonurias; FOLLING DISEASE; Phenylketonuria (PKU). Identifiers: Orphanet 716, MedGen C0031485, MONDO:0009861, OMIM 261600. Disease mechanism: loss of function.

Allele frequency attached by ClinVar (database versions not stated): gnomAD exomes 0.00001 and below 0.00001.
gnomAD v4.1: 14 of 1,613,576 alleles (0.00087%); highest among the groups gnomAD compares: Non-Finnish European, 0.0012%; no homozygotes.

Submissions (4):

ClinGen PAH Variant Curation Expert Panel
Classification: Likely pathogenic for Phenylketonuria. Last evaluated: 2020-06-26. Review status: reviewed by expert panel. Criteria: ClinGen PAH ACMG Specifications v1. Collection method: curation. Allele origin: germline. Inheritance: Autosomal recessive inheritance.
Comment: The c.1102G>A (p.Glu368Lys) variant in PAH has been reported in 1 individual with moderate PKU (BH4 deficiency excluded). (PP4_Moderate; PMID: 31355225). This variant has extremely low frequency in gnomAD: MAF=0.00001 (PM2). This variant was detected in trans with pathogenic variant c.1066-11G>A. (PM3). Computational evidence is conflicting. In summary, this variant meets criteria to be classified as likely pathogenic for PAH. PAH-specific ACMG/AMP criteria applied: PP4_Moderate, PM2, PM3.

Women's Health and Genetics/Laboratory Corporation of America, LabCorp
Classification: Uncertain significance. Last evaluated: 2025-10-15. Review status: criteria provided, single submitter. Criteria: LabCorp Variant Classification Summary - May 2015. Collection method: clinical testing. Allele origin: germline. Not counted in ClinVar's aggregate classification.
Comment: Variant summary: PAH c.1102G>A (p.Glu368Lys) results in a conservative amino acid change in the encoded protein sequence. Algorithms developed to predict the effect of missense changes on protein structure and function are either unavailable or do not agree on the potential impact of this missense change. The variant allele was found at a frequency of 4e-06 in 251238 control chromosomes (gnomAD). The available data on variant occurrences in the general population are insufficient to allow any conclusion about variant significance. c.1102G>A has been observed in at least one individual affected with Phenylalanine Hydroxylase Deficiency (Phenylketonuria) (Su_2019). These data do not allow any conclusion about variant significance. To our knowledge, no experimental evidence demonstrating an impact on protein function has been reported. The following publications have been ascertained in the context of this evaluation (PMID: 32668217, 31355225, 39256839). ClinVar contains an entry for this variant (Variation ID: 625289). Based on the evidence outlined above, the variant was classified as uncertain significance.

Labcorp Genetics (formerly Invitae), Labcorp
Classification: Pathogenic for Phenylketonuria. Last evaluated: 2023-11-21. Review status: criteria provided, single submitter. Criteria: Invitae Variant Classification Sherloc (09022015). Collection method: clinical testing. Allele origin: germline. Not counted in ClinVar's aggregate classification.
Comment: This sequence change replaces glutamic acid, which is acidic and polar, with lysine, which is basic and polar, at codon 368 of the PAH protein (p.Glu368Lys). This variant is present in population databases (no rsID available, gnomAD 0.0009%). This missense change has been observed in individual(s) with PAH-related conditions (PMID: 31355225). In at least one individual the data is consistent with being in trans (on the opposite chromosome) from a pathogenic variant. ClinVar contains an entry for this variant (Variation ID: 625289). Advanced modeling of protein sequence and biophysical properties (such as structural, functional, and spatial information, amino acid conservation, physicochemical variation, residue mobility, and thermodynamic stability) performed at Invitae indicates that this missense variant is not expected to disrupt PAH protein function with a negative predictive value of 80%. For these reasons, this variant has been classified as Pathogenic.

Center for Molecular Medicine, Children’s Hospital of Fudan University
Classification: Pathogenic for Phenylketonuria. Last evaluated: 2019-03-08. Review status: no assertion criteria provided. Collection method: clinical testing. Allele origin: de novo. Affected: yes. Not counted in ClinVar's aggregate classification.

Literature cited by the submitters: PubMed 31355225 (cited by 3 submitters); PubMed 32668217 (cited by Women's Health and Genetics/Laboratory Corporation of America, LabCorp); PubMed 39256839 (cited by Women's Health and Genetics/Laboratory Corporation of America, LabCorp).

NM_000277.3(PAH):c.1102G>A (p.Glu368Lys)

Gene: PAH (phenylalanine hydroxylase; minus strand). Cytogenetic location: 12q23.2.
Variant type: single nucleotide variant.
Coding change: c.1102G>A on transcript NM_000277.3 (MANE Select); coding-DNA position 1102, G replaced by A.
Protein change: p.Glu368Lys; replaces glutamic acid 368 with lysine.
Molecular consequence: missense variant.
Genome position (GRCh38, 1-based): chr12:102,843,743, C>T on the plus strand (G>A on the coding strand, the complement: PAH is on the minus strand). VCF-style: chr12-102843743-C-T. GRCh37 (hg19) VCF-style: chr12-103237521-C-T.
Other names: c.1102G>A, p.Glu368Lys (NM_001354304.2); short protein forms E368K.
Identifiers: ClinVar variation 625289 (VCV000625289.12), dbSNP rs1488232864, ClinGen allele CA386493305.